The following is an entry in ClinVar:

ClinVar aggregate classification (germline): Uncertain significance (1 of 4 stars; one submission).

Conditions:
Neuropathy, hereditary sensory and autonomic, type 2A (HSAN2A). Also called: ACROOSTEOLYSIS, GIACCAI TYPE; ACROOSTEOLYSIS, NEUROGENIC; MORVAN DISEASE; NEUROPATHY, CONGENITAL SENSORY; NEUROPATHY, HEREDITARY SENSORY RADICULAR, AUTOSOMAL RECESSIVE; NEUROPATHY, HEREDITARY SENSORY, TYPE IIA. Identifiers: Orphanet 970, MedGen C2752089, MONDO:0024309, OMIM 201300.
Pseudohypoaldosteronism type 2C (PHA2C). Also called: Pseudohypoaldosteronism Type IIC. Identifiers: Orphanet 757, Orphanet 88940, MedGen C1840391, MONDO:0013778, OMIM 614492.

Allele frequency attached by ClinVar (database versions not stated): ExAC 0.00001; TOPMed 0.00002; gnomAD exomes below 0.00001.
gnomAD v4.1: 5 of 1,592,750 alleles (0.00031%); highest among the groups gnomAD compares: Non-Finnish European, 0.00043%; no homozygotes.

Submission:

Labcorp Genetics (formerly Invitae), Labcorp
Classification: Uncertain significance for Neuropathy, hereditary sensory and autonomic, type 2A; Pseudohypoaldosteronism type 2C. Last evaluated: 2022-06-19. Review status: criteria provided, single submitter. Criteria: Invitae Variant Classification Sherloc (09022015). Collection method: clinical testing. Allele origin: germline.
Comment: Advanced modeling of protein sequence and biophysical properties (such as structural, functional, and spatial information, amino acid conservation, physicochemical variation, residue mobility, and thermodynamic stability) performed at Invitae indicates that this missense variant is not expected to disrupt WNK1 protein function. In summary, the available evidence is currently insufficient to determine the role of this variant in disease. Therefore, it has been classified as a Variant of Uncertain Significance. This variant has not been reported in the literature in individuals affected with WNK1-related conditions. The frequency data for this variant in the population databases is considered unreliable, as metrics indicate poor data quality at this position in the gnomAD database. This sequence change replaces serine, which is neutral and polar, with proline, which is neutral and non-polar, at codon 1167 of the WNK1 protein (p.Ser1167Pro).

NM_213655.5(WNK1):c.3499T>C (p.Ser1167Pro)

Gene: WNK1 (WNK lysine deficient protein kinase 1; plus strand). Cytogenetic location: 12p13.33.
Variant type: single nucleotide variant.
Coding change: c.3499T>C on transcript NM_213655.5 (MANE Plus Clinical); coding-DNA position 3499, T replaced by C.
Protein change: p.Ser1167Pro; replaces serine 1167 with proline.
Molecular consequence: missense variant. On other transcripts: intron variant (2).
Genome position (GRCh38, 1-based): chr12:868,970, T>C. VCF-style: chr12-868970-T-C. GRCh37 (hg19) VCF-style: chr12-978136-T-C.
Other names: c.3244T>C, p.Ser1082Pro (NM_001184985.2); c.2140-2295T>C (NM_018979.4, NM_014823.3); short protein forms S1082P, S1167P.
Identifiers: ClinVar variation 1989304 (VCV001989304.4), dbSNP rs751732237, ClinGen allele CA6382369.